The following is an entry in ClinVar:

ClinVar aggregate classification (germline): Likely pathogenic. Review status: criteria provided, single submitter (1 of 4 stars). 2 submissions from 2 submitters: Likely pathogenic (1). 1 of the submissions does not count toward it. Last evaluated 2025-03-07.

Conditions:
Autosomal recessive polycystic kidney disease (ARPKD). Also called: AR polycystic kidney disease. Identifiers: Orphanet 731, Orphanet 8378, MedGen C0085548, MeSH D017044, MONDO:0009889.
Polycystic kidney disease 4 (PKD4). Also called: POLYCYSTIC KIDNEY DISEASE 4 WITH OR WITHOUT POLYCYSTIC LIVER DISEASE; POLYCYSTIC KIDNEY AND HEPATIC DISEASE 1; POLYCYSTIC KIDNEY DISEASE, INFANTILE, TYPE I; PKD3; Autosomal Recessive Polycystic Kidney Disease – PKHD1. Identifiers: MedGen C4540575, MONDO:0033004, OMIM 263200.

Submissions (2):

Natera, Inc.
Classification: Likely pathogenic for Autosomal recessive polycystic kidney disease. Last evaluated: 2025-03-07. Review status: criteria provided, single submitter. Criteria: Natera Variant Classification Schema (03/2026). Collection method: clinical testing. Allele origin: germline.
Comment: The c.2141-2A>C variant in PKHD1 is a canonical splice acceptor site variant predicted to affect pre-mRNA splicing, which may result in an abnormal transcript and altered protein product. This variant is expected to result in nonsense mediated decay, truncation, or a dysfunctional protein product. This variant is rare in the general population with a frequency below the threshold expected for the associated phenotype(s). Given the available evidence, this variant is classified as Likely Pathogenic.

Counsyl
Classification: Likely pathogenic for Polycystic kidney disease 4. Last evaluated: 2017-04-05. Review status: no assertion criteria provided. Collection method: clinical testing. Allele origin: unknown. Not counted in ClinVar's aggregate classification.

NM_138694.4(PKHD1):c.2141-2A>C

Gene: PKHD1 (PKHD1 ciliary IPT domain containing fibrocystin/polyductin; minus strand). Cytogenetic location: 6p12.2.
Variant type: single nucleotide variant.
Coding change: c.2141-2A>C on transcript NM_138694.4 (MANE Select); the canonical splice acceptor site of the intron before coding-DNA position 2141, A replaced by C.
Molecular consequence: splice acceptor variant.
Genome position (GRCh38, 1-based): chr6:52,050,297, T>G on the plus strand (A>C on the coding strand, the complement: PKHD1 is on the minus strand). VCF-style: chr6-52050297-T-G. GRCh37 (hg19) VCF-style: chr6-51915095-T-G.
Other names: c.2141-2A>C (NM_170724.3).
Identifiers: ClinVar variation 551375 (VCV000551375.3), dbSNP rs1554212403, ClinGen allele CA364443957.